The following is an entry in ClinVar:

ClinVar aggregate classification (germline): Uncertain significance. Review status: criteria provided, multiple submitters, no conflicts (2 of 4 stars). 9 submissions from 8 submitters: Uncertain significance (7). 2 of the submissions do not count toward it. Last evaluated 2025-08-04.

Conditions:
Retinitis pigmentosa 39 (RP39). Identifiers: Orphanet 791, MedGen C3151138, MONDO:0013436, OMIM 613809.
Usher syndrome type 2A. Also called: RETINAL DISEASE IN USHER SYNDROME TYPE IIA, MODIFIER OF; USHER SYNDROME, TYPE IIA. Identifiers: Orphanet 231178, Orphanet 886, MedGen C1848634, MONDO:0010169, OMIM 276901.
Retinal dystrophy. Also called: Inherited retinal dystrophy. Identifiers: Orphanet 71862, MedGen C0854723, MeSH D058499, MONDO:0019118, HP:0000556.
USH2A-related disorder. Also called: USH2A-related condition; USH2A-related disorders. Identifiers: MedGen CN239332.

Allele frequency attached by ClinVar (database versions not stated): gnomAD 0.00001; gnomAD exomes 0.00002 and 0.00004; TOPMed 0.00002; ExAC 0.00004; ESP Exome Variant Server 0.00008.
gnomAD v4.1: 30 of 1,614,130 alleles (0.0019%); highest among the groups gnomAD compares: East Asian, 0.027%; no homozygotes.

Submissions (9):

Myriad Genetics, Inc.
Classification: Uncertain significance for USH2A-related disorder. Last evaluated: 2025-08-04. Review status: criteria provided, single submitter. Criteria: Myriad Autosomal Dominant, Autosomal Recessive and X-Linked Classification Criteria (2023). Collection method: clinical testing. Allele origin: unknown.
Comment: NM_206933.2(USH2A):c.15095G>A(S5032N) is a missense variant classified as a variant of uncertain significance in the context of USH2A-related disorders. S5032N has been observed in cases with relevant disease (PMID: 32188678, 27863619). Relevant functional assessments of this variant are not available in the literature. S5032N has been observed in referenced population frequency databases. In summary, there is insufficient evidence to classify NM_206933.2(USH2A):c.15095G>A(S5032N) as pathogenic or benign. Please note: this variant was assessed in the context of healthy population screening.

Labcorp Genetics (formerly Invitae), Labcorp
Classification: Uncertain significance. Last evaluated: 2024-10-25. Review status: criteria provided, single submitter. Criteria: Invitae Variant Classification Sherloc (09022015). Collection method: clinical testing. Allele origin: germline.
Comment: This sequence change replaces serine, which is neutral and polar, with asparagine, which is neutral and polar, at codon 5032 of the USH2A protein (p.Ser5032Asn). This variant is present in population databases (rs374144657, gnomAD 0.02%). This missense change has been observed in individual(s) with retinitis pigmentosa (PMID: 32188678). ClinVar contains an entry for this variant (Variation ID: 1209712). Invitae Evidence Modeling of protein sequence and biophysical properties (such as structural, functional, and spatial information, amino acid conservation, physicochemical variation, residue mobility, and thermodynamic stability) indicates that this missense variant is not expected to disrupt USH2A protein function with a negative predictive value of 95%. In summary, the available evidence is currently insufficient to determine the role of this variant in disease. Therefore, it has been classified as a Variant of Uncertain Significance.

Blueprint Genetics
Classification: Uncertain significance. Last evaluated: 2024-09-23. Review status: criteria provided, single submitter. Criteria: ACMG Guidelines, 2015. Collection method: clinical testing. Allele origin: germline.

Dept Of Ophthalmology, Nagoya University
Classification: Uncertain significance for Retinal dystrophy. Last evaluated: 2023-10-01. Review status: criteria provided, single submitter. Criteria: Submitter's publication. Collection method: research. Allele origin: germline. Affected: yes.

Women's Health and Genetics/Laboratory Corporation of America, LabCorp
Classification: Uncertain significance. Last evaluated: 2022-05-10. Review status: criteria provided, single submitter. Criteria: LabCorp Variant Classification Summary - May 2015. Collection method: clinical testing. Allele origin: germline.
Comment: Variant summary: USH2A c.15095G>A (p.Ser5032Asn) results in a conservative amino acid change in the encoded protein sequence. Five of five in-silico tools predict a benign effect of the variant on protein function. The variant allele was found at a frequency of 3.6e-05 in 251438 control chromosomes. The available data on variant occurrences in the general population are insufficient to allow any conclusion about variant significance. c.15095G>A has been reported in the literature as a VUS in settings of multigene panel testing in at-least one individual affected with inherited retinal disease (example, Gao_2021). These report(s) do not provide unequivocal conclusions about association of the variant with Usher Syndrome. To our knowledge, no experimental evidence demonstrating an impact on protein function has been reported. Four clinical diagnostic laboratories have submitted clinical-significance assessments for this variant to ClinVar after 2014 without evidence for independent evaluation. All laboratories classified the variant as uncertain significance. Based on the evidence outlined above, the variant was classified as uncertain significance.

Genome-Nilou Lab
Classification: Uncertain significance for Usher syndrome type 2A. Last evaluated: 2021-07-22. Review status: criteria provided, single submitter. Criteria: ACMG Guidelines, 2015. Collection method: clinical testing. Allele origin: germline. Affected: no.

Genome-Nilou Lab
Classification: Uncertain significance for Retinitis pigmentosa 39. Last evaluated: 2021-07-22. Review status: criteria provided, single submitter. Criteria: ACMG Guidelines, 2015. Collection method: clinical testing. Allele origin: germline. Affected: no.

Clinical Genetics DNA and cytogenetics Diagnostics Lab, Erasmus MC, Erasmus Medical Center
Classification: Uncertain significance. Review status: no assertion criteria provided. Collection method: clinical testing. Allele origin: germline. Affected: yes. Study: VKGL Data-share Consensus. Not counted in ClinVar's aggregate classification.

Joint Genome Diagnostic Labs from Nijmegen and Maastricht, Radboudumc and MUMC+
Classification: Uncertain significance. Review status: no assertion criteria provided. Collection method: clinical testing. Allele origin: germline. Affected: yes. Study: VKGL Data-share Consensus. Not counted in ClinVar's aggregate classification.

Literature cited by the submitters: PubMed 27863619 (cited by Myriad Genetics, Inc.); PubMed 32188678 (cited by 3 submitters).

NM_206933.4(USH2A):c.15095G>A (p.Ser5032Asn)

Gene: USH2A (usherin; minus strand). Cytogenetic location: 1q41.
Variant type: single nucleotide variant.
Coding change: c.15095G>A on transcript NM_206933.4 (MANE Select); coding-DNA position 15095, G replaced by A.
Protein change: p.Ser5032Asn; replaces serine 5032 with asparagine.
Molecular consequence: missense variant.
Genome position (GRCh38, 1-based): chr1:215,634,661, C>T on the plus strand (G>A on the coding strand, the complement: USH2A is on the minus strand). VCF-style: chr1-215634661-C-T. GRCh37 (hg19) VCF-style: chr1-215808003-C-T.
Other names: short protein forms S5032N.
Identifiers: ClinVar variation 1209712 (VCV001209712.13), dbSNP rs374144657, ClinGen allele CA1392790.
Genomic context (GRCh38, chr1:215,634,661, plus strand): 5'-AAGCCCAGCATCGCCATTAACACTATGAACCACAGCTCGCTGTAGAACTCTGTGCTTTTG[C>T]TCCGCGATCCCTTCTTTTTCCCAGGAGTTGTTAGGACCAAGCCTGCAAAACCCAGAGAAA-3'
Protein context (NP_996816.3, residues 5022-5042): TTPGKKKGSR[Ser5032Asn]KSTEFYSELW